The following is an entry in ClinVar:

NM_174916.3(UBR1):c.4457+7A>T

Gene: UBR1 (ubiquitin protein ligase E3 component n-recognin 1; minus strand). Cytogenetic location: 15q15.2.
Variant type: single nucleotide variant.
Coding change: c.4457+7A>T on transcript NM_174916.3 (MANE Select); 7 bases into the intron after coding-DNA position 4457, A replaced by T.
Molecular consequence: intron variant.
Genome position (GRCh38, 1-based): chr15:42,970,513, T>A on the plus strand (A>T on the coding strand, the complement: UBR1 is on the minus strand). VCF-style: chr15-42970513-T-A. GRCh37 (hg19) VCF-style: chr15-43262711-T-A.
Identifiers: ClinVar variation 3346657 (VCV003346657.1).

ClinVar aggregate classification (germline): Likely benign (0 of 4 stars; one submission).

Conditions:
UBR1-related disorder. Also called: UBR1-related condition.

gnomAD v4.1: 1 of 1,612,002 alleles (0.000062%); highest among the groups gnomAD compares: Admixed American, 0.0017%; no homozygotes.

Submission:

PreventionGenetics, part of Exact Sciences
Classification: Likely benign for UBR1-related condition. Last evaluated: 2024-04-16. Review status: no assertion criteria provided. Collection method: clinical testing. Allele origin: germline.
Comment: This variant is classified as likely benign based on ACMG/AMP sequence variant interpretation guidelines (Richards et al. 2015 PMID: 25741868, with internal and published modifications).